The following is an entry in ClinVar:

ClinVar aggregate classification (germline): Uncertain significance (1 of 4 stars; one submission).

Conditions:
Alstrom syndrome (ALMS). Identifiers: Orphanet 64, MedGen C0268425, MONDO:0008763, OMIM 203800.

Submission:

Labcorp Genetics (formerly Invitae), Labcorp
Classification: Uncertain significance for Alstrom syndrome. Last evaluated: 2022-04-15. Review status: criteria provided, single submitter. Criteria: Invitae Variant Classification Sherloc (09022015). Collection method: clinical testing. Allele origin: germline.
Comment: This sequence change replaces serine, which is neutral and polar, with proline, which is neutral and non-polar, at codon 2719 of the ALMS1 protein (p.Ser2719Pro). This variant is not present in population databases (gnomAD no frequency). This variant has not been reported in the literature in individuals affected with ALMS1-related conditions. Experimental studies and prediction algorithms are not available or were not evaluated, and the functional significance of this variant is currently unknown. In summary, the available evidence is currently insufficient to determine the role of this variant in disease. Therefore, it has been classified as a Variant of Uncertain Significance.

NM_001378454.1(ALMS1):c.8152T>C (p.Ser2718Pro)

Gene: ALMS1 (ALMS1 centrosome and basal body associated protein; plus strand). Cytogenetic location: 2p13.1.
Variant type: single nucleotide variant.
Coding change: c.8152T>C on transcript NM_001378454.1 (MANE Select); coding-DNA position 8152, T replaced by C.
Protein change: p.Ser2718Pro; replaces serine 2718 with proline.
Molecular consequence: missense variant.
Genome position (GRCh38, 1-based): chr2:73,490,111, T>C. VCF-style: chr2-73490111-T-C. GRCh37 (hg19) VCF-style: chr2-73717238-T-C.
Other names: c.8155T>C, p.Ser2719Pro (NM_015120.4); short protein forms S2718P, S2719P.
Identifiers: ClinVar variation 1964015 (VCV001964015.5), dbSNP rs960279930, ClinGen allele CA50378139.